The following is an entry in ClinVar:

ClinVar aggregate classification (germline): Uncertain significance (1 of 4 stars; one submission).

gnomAD v4.1: 2 of 1,599,286 alleles (0.00013%); highest among the groups gnomAD compares: Non-Finnish European, 0.00017%; no homozygotes.

Submission:

Labcorp Genetics (formerly Invitae), Labcorp
Classification: Uncertain significance. Last evaluated: 2025-08-29. Review status: criteria provided, single submitter. Criteria: Invitae Variant Classification Sherloc (09022015). Collection method: clinical testing. Allele origin: germline.
Comment: This sequence change falls in intron 9 of the COL11A1 gene. It does not directly change the encoded amino acid sequence of the COL11A1 protein. It affects a nucleotide within the consensus splice site. This variant is not present in population databases (gnomAD no frequency). This variant has not been reported in the literature in individuals affected with COL11A1-related conditions. Variants that disrupt the consensus splice site are a relatively common cause of aberrant splicing (PMID: 17576681, 9536098). Algorithms developed to predict the effect of sequence changes on RNA splicing suggest that this variant may disrupt the consensus splice site. In summary, the available evidence is currently insufficient to determine the role of this variant in disease. Therefore, it has been classified as a Variant of Uncertain Significance.

Literature cited by the submitters: PubMed 17576681; PubMed 9536098.

NM_001854.4(COL11A1):c.1308+6T>C

Gene: COL11A1 (collagen type XI alpha 1 chain; minus strand). Cytogenetic location: 1p21.1.
Variant type: single nucleotide variant.
Coding change: c.1308+6T>C on transcript NM_001854.4 (MANE Select); 6 bases into the intron after coding-DNA position 1308, T replaced by C.
Molecular consequence: intron variant.
Genome position (GRCh38, 1-based): chr1:103,021,701, A>G on the plus strand (T>C on the coding strand, the complement: COL11A1 is on the minus strand). VCF-style: chr1-103021701-A-G. GRCh37 (hg19) VCF-style: chr1-103487257-A-G.
Other names: c.1191+6T>C (NM_001190709.2); c.1344+6T>C (NM_080629.3); c.960+6T>C (NM_080630.4).
Identifiers: ClinVar variation 4726158 (VCV004726158.1).
Genomic context (GRCh38, chr1:103,021,701, plus strand): 5'-TTTAACATAATCGTGGCTCATAAGCAATTTTACCAACCTTTAAAGTGTATTCACACTACT[A>G]CTTACAGGCTCAACCACTGCTGGTTCTCCTTTCTGTCCTTTCTCTCCATATGCACCATGG-3'